The following is an entry in ClinVar:

NM_018089.3(ANKZF1):c.159G>C (p.Glu53Asp)

Gene: ANKZF1 (ankyrin repeat and zinc finger peptidyl tRNA hydrolase 1; plus strand). Cytogenetic location: 2q35.
Variant type: single nucleotide variant.
Coding change: c.159G>C on transcript NM_018089.3 (MANE Select); coding-DNA position 159, G replaced by C.
Protein change: p.Glu53Asp; replaces glutamic acid 53 with aspartic acid.
Molecular consequence: missense variant. On other transcripts: intron variant (1).
Genome position (GRCh38, 1-based): chr2:219,231,938, G>C. VCF-style: chr2-219231938-G-C. GRCh37 (hg19) VCF-style: chr2-220096660-G-C.
Other names: c.159G>C, p.Glu53Asp (NM_001042410.2); c.-266-552G>C (NM_001282792.2); short protein forms E53D.
Identifiers: ClinVar variation 2770716 (VCV002770716.3), dbSNP rs750608980, ClinGen allele CA350671846.

ClinVar aggregate classification (germline): Uncertain significance (1 of 4 stars; one submission).

gnomAD v4.1: 5 of 1,613,922 alleles (0.00031%); highest among the groups gnomAD compares: Non-Finnish European, 0.00042%; no homozygotes.

Submission:

Labcorp Genetics (formerly Invitae), Labcorp
Classification: Uncertain significance. Last evaluated: 2023-10-22. Review status: criteria provided, single submitter. Criteria: Invitae Variant Classification Sherloc (09022015). Collection method: clinical testing. Allele origin: germline.
Comment: This sequence change replaces glutamic acid, which is acidic and polar, with aspartic acid, which is acidic and polar, at codon 53 of the ANKZF1 protein (p.Glu53Asp). This variant is not present in population databases (gnomAD no frequency). This variant has not been reported in the literature in individuals affected with ANKZF1-related conditions. An algorithm developed to predict the effect of missense changes on protein structure and function (PolyPhen-2) suggests that this variant is likely to be tolerated. In summary, the available evidence is currently insufficient to determine the role of this variant in disease. Therefore, it has been classified as a Variant of Uncertain Significance.